The following is an entry in ClinVar:

NM_001197104.2(KMT2A):c.3505G>C (p.Val1169Leu)

Gene: KMT2A (lysine methyltransferase 2A; plus strand). Cytogenetic location: 11q23.3.
Variant type: single nucleotide variant.
Coding change: c.3505G>C on transcript NM_001197104.2 (MANE Select); coding-DNA position 3505, G replaced by C.
Protein change: p.Val1169Leu; replaces valine 1169 with leucine.
Molecular consequence: missense variant.
Genome position (GRCh38, 1-based): chr11:118,478,137, G>C. VCF-style: chr11-118478137-G-C. GRCh37 (hg19) VCF-style: chr11-118348852-G-C.
Other names: c.3505G>C, p.Val1169Leu (NM_005933.4); short protein forms V1169L.
Identifiers: ClinVar variation 1310986 (VCV001310986.2), dbSNP rs782680161, ClinGen allele CA6303662.

ClinVar aggregate classification (germline): Uncertain significance (1 of 4 stars; one submission).

Allele frequency attached by ClinVar (database versions not stated): ExAC 0.00002; gnomAD exomes 0.00002.
gnomAD v4.1: 7 of 1,614,168 alleles (0.00043%); highest among the groups gnomAD compares: South Asian, 0.0066%; no homozygotes.

Submission:

GeneDx
Classification: Uncertain significance. Last evaluated: 2019-12-17. Review status: criteria provided, single submitter. Criteria: GeneDx Variant Classification Process June 2021. Collection method: clinical testing. Allele origin: germline. Affected: yes.
Comment: In silico analysis, which includes protein predictors and evolutionary conservation, supports that this variant does not alter protein structure/function; Has not been previously published as pathogenic or benign to our knowledge